The following is an entry in ClinVar:

ClinVar aggregate classification (germline): conflicting data from submitters (0 of 4 stars; one submission).

Submission:

ISCA site 1
Classification: conflicting data from submitters. Last evaluated: 2015-09-01. Review status: no assertion criteria provided. Collection method: clinical testing. Allele origin: paternal, unknown. Affected: yes. Observed: 5 variant alleles. Clinical features observed: Muscular hypotonia (HP:0001252), Laryngotracheomalacia (HP:0008755), Delayed speech and language development (HP:0000750), Intellectual disability (HP:0001249), Flexion contracture (HP:0001371), Delayed gross motor development (HP:0002194), Delayed fine motor development (HP:0010862), Transposition of the great arteries (HP:0001669), obsolete Malformation of the heart and great vessels (HP:0002564), Hypoplastic left heart (HP:0004383), Joint laxity (HP:0001388), Ventricular septal defect (HP:0001629), and 1 more.
Comment: Uncertain significance(3), Likely benign (2)

Copy number variation identified through the course of routine clinical cytogenomic testing in postnatal populations, with clinical assertions as classified by the original submitter. For data from the original published study, Kaminsky, et al. 2011 (PubMed 21844811), please see nstd101.

GRCh37/hg19 16p13.3(chr16:6291018-6394422)x1

Gene: RBFOX1 (RNA binding fox-1 homolog 1; plus strand). Cytogenetic location: 16p13.3.
Variant type: copy number loss.
Change: copy number 1 (one copy instead of two) of chr16:6,291,018-6,394,422 (103.4 kb, GRCh37 coordinates, 1-based), cytogenetic band 16p13.3.
Identifiers: ClinVar variation 443471 (VCV000443471.3).